The following is an entry in ClinVar:

NM_033380.3(COL4A5):c.1184C>T (p.Pro395Leu)

Gene: COL4A5 (collagen type IV alpha 5 chain; plus strand). Cytogenetic location: Xq22.3.
Variant type: single nucleotide variant.
Coding change: c.1184C>T on transcript NM_033380.3 (MANE Select); coding-DNA position 1184, C replaced by T.
Protein change: p.Pro395Leu; replaces proline 395 with leucine.
Molecular consequence: missense variant.
Genome position (GRCh38, 1-based): chrX:108,591,076, C>T. VCF-style: chrX-108591076-C-T. GRCh37 (hg19) VCF-style: chrX-107834306-C-T.
Other names: c.1184C>T (NM_000495.3); c.1184C>T, p.Pro395Leu (NM_000495.5); short protein forms P395L.
Identifiers: ClinVar variation 1936985 (VCV001936985.3), dbSNP rs147256613, ClinGen allele CA10488697.

ClinVar aggregate classification (germline): Uncertain significance. Review status: criteria provided, multiple submitters, no conflicts (2 of 4 stars). 2 submissions from 2 submitters: Uncertain significance (2). Last evaluated 2025-11-24.

Conditions:
Inborn genetic diseases. Identifiers: MedGen C0950123, MeSH D030342.

Allele frequency attached by ClinVar (database versions not stated): ESP Exome Variant Server 0.00009; ExAC 0.00001; gnomAD exomes 0.00001; TOPMed 0.00001.
gnomAD v4.1: 6 of 1,209,275 alleles (0.0005%); highest among the groups gnomAD compares: Non-Finnish European, 0.00067%; no homozygotes.

Submissions (2):

Ambry Genetics
Classification: Uncertain significance for Inborn genetic diseases. Last evaluated: 2025-11-24. Review status: criteria provided, single submitter. Criteria: Ambry Variant Classification Scheme 2023. Collection method: clinical testing. Allele origin: germline.

Labcorp Genetics (formerly Invitae), Labcorp
Classification: Uncertain significance. Last evaluated: 2021-10-09. Review status: criteria provided, single submitter. Criteria: Invitae Variant Classification Sherloc (09022015). Collection method: clinical testing. Allele origin: germline.
Comment: This sequence change replaces proline with leucine at codon 395 of the COL4A5 protein (p.Pro395Leu). The proline residue is moderately conserved and there is a moderate physicochemical difference between proline and leucine. This variant is present in population databases (rs147256613, ExAC 0.01%). This variant has not been reported in the literature in individuals with COL4A5-related conditions. Advanced modeling of protein sequence and biophysical properties (such as structural, functional, and spatial information, amino acid conservation, physicochemical variation, residue mobility, and thermodynamic stability) performed at Invitae indicates that this missense variant is not expected to disrupt COL4A5 protein function. In summary, the available evidence is currently insufficient to determine the role of this variant in disease. Therefore, it has been classified as a Variant of Uncertain Significance.